The following is an entry in ClinVar:

ClinVar aggregate classification (germline): Likely pathogenic (1 of 4 stars; one submission).

Conditions:
Autosomal recessive congenital ichthyosis 1 (LI1). Also called: DESQUAMATION OF NEWBORN; ICHTHYOSIS CONGENITA; ICHTHYOSIS CONGENITA II; LAMELLAR EXFOLIATION OF NEWBORN; ICHTHYOSIS, CONGENITAL, AUTOSOMAL RECESSIVE 1, WITH BATHING SUIT DISTRIBUTION; ICHTHYOSIS, CONGENITAL, AUTOSOMAL RECESSIVE 1, WITH OR WITHOUT BATHING SUIT DISTRIBUTION. Identifiers: MedGen C4551630, MONDO:0009441, OMIM 242300.

Submission:

Myriad Genetics, Inc.
Classification: Likely pathogenic for Autosomal recessive congenital ichthyosis 1. Last evaluated: 2022-02-11. Review status: criteria provided, single submitter. Criteria: Myriad Women's Health Autosomal Recessive and X-Linked Classification Criteria (2021). Collection method: clinical testing. Allele origin: unknown.
Comment: NM_000359.2(TGM1):c.1129delT(C377Afs*7) is expected to be pathogenic in the context of TGM1-related autosomal recessive congenital ichthyosis. This variant is predicted to lead to an abnormal or absent protein product due to the creation of a premature termination codon in TGM1, a gene where loss-of-function variants are known to be pathogenic. Please note: this variant was assessed in the context of healthy population screening.

NM_000359.3(TGM1):c.1129del (p.Cys377fs)

Gene: TGM1 (transglutaminase 1; minus strand). Cytogenetic location: 14q12.
Variant type: Deletion.
Coding change: c.1129del on transcript NM_000359.3 (MANE Select); coding-DNA position 1129, one base deleted (T; older notation c.1129delT).
Protein change: p.Cys377fs; shifts the reading frame from cysteine 377.
Molecular consequence: frameshift variant.
Genome position (GRCh38, 1-based): chr14:24,259,105, A deleted on the plus strand (T on the coding strand, the reverse complement: TGM1 is on the minus strand). VCF-style (leftmost placement, unchanged base first): chr14-24259104-CA-C. GRCh37 (hg19) VCF-style: chr14-24728310-CA-C.
Other names: short protein forms C377fs.
Identifiers: ClinVar variation 1724361 (VCV001724361.2), dbSNP rs2502501593, ClinGen allele CA2580087977.